The following is an entry in ClinVar:

NM_004859.4(CLTC):c.1892C>T (p.Thr631Ile)

Gene: CLTC (clathrin heavy chain; plus strand). Cytogenetic location: 17q23.1.
Variant type: single nucleotide variant.
Coding change: c.1892C>T on transcript NM_004859.4 (MANE Select); coding-DNA position 1892, C replaced by T.
Protein change: p.Thr631Ile; replaces threonine 631 with isoleucine.
Molecular consequence: missense variant.
Genome position (GRCh38, 1-based): chr17:59,666,589, C>T. VCF-style: chr17-59666589-C-T. GRCh37 (hg19) VCF-style: chr17-57743950-C-T.
Other names: c.1904C>T, p.Thr635Ile (NM_001288653.2); short protein forms T635I, T631I.
Identifiers: ClinVar variation 4691342 (VCV004691342.1).
Genomic context (GRCh38, chr17:59,666,589, plus strand): 5'-CTCATATTGCTCAACTGTGTGAAAAGGCTGGCCTACTGCAGCGTGCATTAGAACATTTCA[C>T]TGATTTATATGATATAAAACGTGCAGTGGTTCACACCCATCTTCTTAACCCTGAGGTATT-3'
Protein context (NP_004850.1, residues 621-641): GLLQRALEHF[Thr631Ile]DLYDIKRAVV

ClinVar aggregate classification (germline): Uncertain significance (1 of 4 stars; one submission).

gnomAD v4.1: 2 of 1,614,092 alleles (0.00012%); highest among the groups gnomAD compares: Non-Finnish European, 0.000085%; no homozygotes.

Submission:

Labcorp Genetics (formerly Invitae), Labcorp
Classification: Uncertain significance. Last evaluated: 2025-09-24. Review status: criteria provided, single submitter. Criteria: Invitae Variant Classification Sherloc (09022015). Collection method: clinical testing. Allele origin: germline.
Comment: This sequence change replaces threonine, which is neutral and polar, with isoleucine, which is neutral and non-polar, at codon 635 of the CLTC protein (p.Thr635Ile). This variant is not present in population databases (gnomAD no frequency). This variant has not been reported in the literature in individuals affected with CLTC-related conditions. Invitae Evidence Modeling of protein sequence and biophysical properties (such as structural, functional, and spatial information, amino acid conservation, physicochemical variation, residue mobility, and thermodynamic stability) indicates that this missense variant is expected to disrupt CLTC protein function with a positive predictive value of 80%. In summary, the available evidence is currently insufficient to determine the role of this variant in disease. Therefore, it has been classified as a Variant of Uncertain Significance.